The following is an entry in ClinVar:

ClinVar aggregate classification (germline): Likely benign (0 of 4 stars; one submission).

Conditions:
EPPK1-related disorder. Also called: EPPK1-related condition.

gnomAD v4.1: 1 of 1,610,080 alleles (0.000062%); highest among the groups gnomAD compares: Admixed American, 0.0017%; no homozygotes.

Submission:

PreventionGenetics, part of Exact Sciences
Classification: Likely benign for EPPK1-related condition. Last evaluated: 2021-11-22. Review status: no assertion criteria provided. Collection method: clinical testing. Allele origin: germline.
Comment: This variant is classified as likely benign based on ACMG/AMP sequence variant interpretation guidelines (Richards et al. 2015 PMID: 25741868, with internal and published modifications).

NM_031308.4(EPPK1):c.1716G>C (p.Leu572=)

Gene: EPPK1 (epiplakin 1; minus strand). Cytogenetic location: 8q24.3.
Variant type: single nucleotide variant.
Coding change: c.1716G>C on transcript NM_031308.4 (MANE Select); coding-DNA position 1716, G replaced by C.
Protein change: p.Leu572=; no amino-acid change (leucine 572 retained).
Molecular consequence: synonymous variant.
Genome position (GRCh38, 1-based): chr8:143,871,538, C>G on the plus strand (G>C on the coding strand, the complement: EPPK1 is on the minus strand). VCF-style: chr8-143871538-C-G. GRCh37 (hg19) VCF-style: chr8-144945706-C-G.
Identifiers: ClinVar variation 3061548 (VCV003061548.2), dbSNP rs782056143, ClinGen allele CA463531464.
Genomic context (GRCh38, chr8:143,871,538, plus strand): 5'-TGTGGCCTGTCCATGCTCCAGCCGCTCGTACAGGTCCTGGTCGATGATCTCGGCTTTCAG[C>G]AGCTCTCCTGGTGTCACGGTGTCCCTCAGCCCAGAAAAGGTGACCCTGGCAGTGGCTGCA-3'
Protein context (NP_112598.3, residues 562-582): GLRDTVTPGE[Leu572=]LKAEIIDQDL